The following is an entry in ClinVar:

ClinVar aggregate classification (germline): Pathogenic. Review status: criteria provided, multiple submitters, no conflicts (2 of 4 stars). 3 submissions from 3 submitters: Pathogenic (2). 1 of the submissions does not count toward it. Last evaluated 2022-02-19.

Conditions:
Hereditary cancer-predisposing syndrome. Also called: Tumor predisposition; Hereditary neoplastic syndrome; Hereditary Cancer Syndrome; Neoplastic Syndromes, Hereditary. Identifiers: Orphanet 140162, MedGen C0027672, MeSH D009386, MONDO:0015356.
Peutz-Jeghers syndrome (PJS). Also called: Peutz-Jeghers polyposis; Periorificial lentiginosis syndrome; POLYPOSIS, HAMARTOMATOUS INTESTINAL; POLYPS-AND-SPOTS SYNDROME. Identifiers: Orphanet 2869, MedGen C0031269, MeSH D010580, MONDO:0008280, OMIM 175200.

Submissions (3):

Labcorp Genetics (formerly Invitae), Labcorp
Classification: Pathogenic for Peutz-Jeghers syndrome. Last evaluated: 2022-02-19. Review status: criteria provided, single submitter. Criteria: Invitae Variant Classification Sherloc (09022015). Collection method: clinical testing. Allele origin: germline.
Comment: For these reasons, this variant has been classified as Pathogenic. ClinVar contains an entry for this variant (Variation ID: 7449). This variant is also known as 1407delC. This premature translational stop signal has been observed in individual(s) with Peutz-Jeghers syndrome (PMID: 9850045, 15121768, 16407375). It has also been observed to segregate with disease in related individuals. This variant is not present in population databases (gnomAD no frequency). This sequence change creates a premature translational stop signal (p.Leu140Trpfs*21) in the STK11 gene. It is expected to result in an absent or disrupted protein product. Loss-of-function variants in STK11 are known to be pathogenic (PMID: 15188174, 16287113).

Ambry Genetics
Classification: Pathogenic for Hereditary cancer-predisposing syndrome. Last evaluated: 2020-11-24. Review status: criteria provided, single submitter. Criteria: Ambry Variant Classification Scheme 2023. Collection method: clinical testing. Allele origin: germline.
Comment: The c.418delC pathogenic mutation, located in coding exon 3 of the STK11 gene, results from a deletion of one nucleotide at position 418, causing a translational frameshift with a predicted alternate stop codon. This mutation has been reported in several families diagnosed with Peutz-Jeghers Syndrome (Nakagawa et al. Hum Genet. 1998 Aug;103(2):168-72; Lim et al. Gastroenterology. 2004 Jun;126(7):1788-94; Amos et al. J Med Genet. 2004 May;41(5):327-33; de Leng et al. Clin Genet. 2007 Dec;72(6):568-73; Mehenni H et al. Dig Dis Sci, 2007 Aug;52:1924-33). In addition to the clinical data presented in the literature, this alteration is expected to result in loss of function by premature protein truncation or nonsense-mediated mRNA decay. As such, this alteration is interpreted as a disease-causing mutation.

OMIM
Classification: Pathogenic for PEUTZ-JEGHERS SYNDROME. Last evaluated: 1998-12-01. Review status: no assertion criteria provided. Collection method: literature only. Allele origin: germline. Not counted in ClinVar's aggregate classification.

Literature cited by the submitters: PubMed 9850045 (cited by Labcorp Genetics (formerly Invitae), Labcorp and OMIM); PubMed 15121768 (cited by Labcorp Genetics (formerly Invitae), Labcorp); PubMed 16407375 (cited by Labcorp Genetics (formerly Invitae), Labcorp); PubMed 15188174 (cited by Labcorp Genetics (formerly Invitae), Labcorp); PubMed 16287113 (cited by Labcorp Genetics (formerly Invitae), Labcorp); PubMed 17404884 (cited by Ambry Genetics); PubMed 15399020 (cited by OMIM).

NM_000455.5(STK11):c.418del (p.Leu140fs)

Gene: STK11 (serine/threonine kinase 11; plus strand). Cytogenetic location: 19p13.3.
Variant type: Deletion.
Coding change: c.418del on transcript NM_000455.5 (MANE Select); coding-DNA position 418, one base deleted (C; older notation c.418delC).
Protein change: p.Leu140fs; shifts the reading frame from leucine 140.
Molecular consequence: frameshift variant.
Genome position (GRCh38, 1-based): chr19:1,219,367, C deleted. VCF-style (leftmost placement, unchanged base first): chr19-1219366-GC-G. GRCh37 (hg19) VCF-style: chr19-1219365-GC-G.
Other names: c.418delC (NM_000455.4); short protein forms L140fs.
Identifiers: ClinVar variation 7449 (VCV000007449.12), dbSNP rs397518440, ClinGen allele CA022918.
Genomic context (GRCh38, chr19:1,219,366, plus strand): 5'-GTGTCCTTAGCGCCCCACGTATATGGTGATGGAGTACTGCGTGTGTGGCATGCAGGAAAT[GC>G]TGGACAGCGTGCCGGAGAAGCGTTTCCCAGTGTGCCAGGCCCACGGGTGCGTGCGCGGGG-3'